The following is an entry in ClinVar:

ClinVar aggregate classification (germline): Uncertain significance. Review status: criteria provided, multiple submitters, no conflicts (2 of 4 stars). 2 submissions from 2 submitters: Uncertain significance (2). Last evaluated 2025-01-26.

Allele frequency attached by ClinVar (database versions not stated): gnomAD 0.00001; gnomAD exomes 0.00001; ExAC 0.00001; TOPMed 0.00002.
gnomAD v4.1: 25 of 1,613,446 alleles (0.0015%); highest among the groups gnomAD compares: Middle Eastern, 0.066%; no homozygotes.

Submissions (2):

Ambry Genetics
Classification: Uncertain significance. Last evaluated: 2025-01-26. Review status: criteria provided, single submitter. Criteria: Ambry Variant Classification Scheme 2023. Collection method: clinical testing. Allele origin: germline.

Labcorp Genetics (formerly Invitae), Labcorp
Classification: Uncertain significance. Last evaluated: 2023-11-13. Review status: criteria provided, single submitter. Criteria: Invitae Variant Classification Sherloc (09022015). Collection method: clinical testing. Allele origin: germline.
Comment: This sequence change replaces serine, which is neutral and polar, with asparagine, which is neutral and polar, at codon 313 of the RASGRP1 protein (p.Ser313Asn). This variant is present in population databases (rs762442488, gnomAD 0.002%). This variant has not been reported in the literature in individuals affected with RASGRP1-related conditions. ClinVar contains an entry for this variant (Variation ID: 1499471). Advanced modeling of protein sequence and biophysical properties (such as structural, functional, and spatial information, amino acid conservation, physicochemical variation, residue mobility, and thermodynamic stability) performed at Invitae indicates that this missense variant is not expected to disrupt RASGRP1 protein function with a negative predictive value of 80%. In summary, the available evidence is currently insufficient to determine the role of this variant in disease. Therefore, it has been classified as a Variant of Uncertain Significance.

NM_005739.4(RASGRP1):c.938G>A (p.Ser313Asn)

Gene: RASGRP1 (RAS guanyl releasing protein 1; minus strand). Cytogenetic location: 15q14.
Variant type: single nucleotide variant.
Coding change: c.938G>A on transcript NM_005739.4 (MANE Select); coding-DNA position 938, G replaced by A.
Protein change: p.Ser313Asn; replaces serine 313 with asparagine.
Molecular consequence: missense variant.
Genome position (GRCh38, 1-based): chr15:38,511,632, C>T on the plus strand (G>A on the coding strand, the complement: RASGRP1 is on the minus strand). VCF-style: chr15-38511632-C-T. GRCh37 (hg19) VCF-style: chr15-38803833-C-T.
Other names: c.938G>A, p.Ser313Asn (NM_001128602.2, NM_001306086.2); c.938G>A (NM_005739.3); short protein forms S313N.
Identifiers: ClinVar variation 1499471 (VCV001499471.5), dbSNP rs762442488, ClinGen allele CA7471008.